The following is an entry in ClinVar:

NM_001267550.2(TTN):c.54631C>A (p.Pro18211Thr)

Genes: TTN (titin; minus strand), TTN-AS1 (TTN antisense RNA 1; plus strand). Cytogenetic location: 2q31.2.
Variant type: single nucleotide variant.
Coding change: c.54631C>A on transcript NM_001267550.2 (MANE Select); coding-DNA position 54631, C replaced by A.
Protein change: p.Pro18211Thr; replaces proline 18211 with threonine.
Molecular consequence: missense variant.
Genome position (GRCh38, 1-based): chr2:178,604,056, G>T on the plus strand (C>A on the coding strand, the complement: TTN is on the minus strand). VCF-style: chr2-178604056-G-T. GRCh37 (hg19) VCF-style: chr2-179468783-G-T.
Other names: p.Pro15643Thr; c.49708C>A, p.Pro16570Thr (NM_001256850.1); c.27436C>A, p.Pro9146Thr (NM_003319.4); c.46927C>A, p.Pro15643Thr (NM_133378.4); c.27811C>A, p.Pro9271Thr (NM_133432.3); c.28012C>A, p.Pro9338Thr (NM_133437.4); short protein forms P9146T, P9271T, P9338T, P15643T, P16570T, P18211T.
Identifiers: ClinVar variation 894275 (VCV000894275.14), dbSNP rs727504192, ClinGen allele CA1993602.
Genomic context (GRCh38, chr2:178,604,056, plus strand): 5'-ATTCCACGCCTTTCAATCCCACTTTGGTTATTGGTGCTCGGCTAACACGTGACCAATAAG[G>T]ACTTCCCTCTTCTCTTTTCTCCAGCCAGTAGCCAGTAATTGGAGAGCCACCATTGTCCAA-3'
Protein context (NP_001254479.2, residues 18201-18221): YWLEKREEGS[Pro18211Thr]YWSRVSRAPI

ClinVar aggregate classification (germline): Conflicting classifications of pathogenicity. Review status: criteria provided, conflicting classifications (1 of 4 stars). 12 submissions from 8 submitters: Uncertain significance (6); Likely benign (6). Last evaluated 2025-07-12.

Conditions:
Myopathy, myofibrillar, 9, with early respiratory failure (MFM9). Also called: Myopathy, distal, with early respiratory failure, autosomal dominant; Hereditary myopathy with early respiratory failure; EDSTROM MYOPATHY; MYOPATHY, PROXIMAL, WITH EARLY RESPIRATORY MUSCLE INVOLVEMENT. Identifiers: Orphanet 178464, Orphanet 34521, MedGen C1863599, MONDO:0011362, OMIM 603689.
TTN-related disorder. Also called: TTN-related condition; TTN-related disease; TTN-related disorders.
Autosomal recessive limb-girdle muscular dystrophy type 2J (LGMDR10). Also called: MUSCULAR DYSTROPHY, LIMB-GIRDLE, AUTOSOMAL RECESSIVE 10; Limb-girdle muscular dystrophy, type 2J. Identifiers: Orphanet 140922, MedGen C1837342, MONDO:0012127, OMIM 608807.
Tibial muscular dystrophy (TMD). Also called: UDD MYOPATHY; Udd Distal Myopathy – Tibial Muscular Dystrophy; Tibial muscular dystrophy, tardive. Identifiers: Orphanet 609, MedGen C1838244, MONDO:0010870, OMIM 600334.
Cardiovascular phenotype. Identifiers: MedGen CN230736.
Cardiomyopathy (CMYO). Also called: Cardiomyopathies. Identifiers: Orphanet 167848, MedGen C0878544, MONDO:0004994, HP:0001638. Inheritance: Various modes of inheritance.
Early-onset myopathy with fatal cardiomyopathy (CMYO5). Also called: CONGENITAL MYOPATHY 5 WITH CARDIOMYOPATHY; Salih Myopathy. Identifiers: Orphanet 289377, MedGen C2673677, MONDO:0012714, OMIM 611705. Disease mechanism: loss of function.
Dilated cardiomyopathy 1G (CMD1G). Identifiers: Orphanet 154, MedGen C1858763, MONDO:0011400, OMIM 604145.

Allele frequency attached by ClinVar (database versions not stated): gnomAD exomes 0.00021 and 0.00008; ExAC 0.00006; TOPMed 0.00015.
gnomAD v4.1: 329 of 1,612,770 alleles (0.02%); highest among the groups gnomAD compares: Non-Finnish European, 0.026%; no homozygotes.

Submissions (12):

PreventionGenetics, part of Exact Sciences
Classification: Likely benign for TTN-related condition. Last evaluated: 2025-07-12. Review status: criteria provided, single submitter. Criteria: ACMG Guidelines, 2015. Collection method: clinical testing. Allele origin: germline.
Comment: This variant is classified as likely benign based on ACMG/AMP sequence variant interpretation guidelines (Richards et al. 2015 PMID: 25741868, with internal and published modifications).

Blueprint Genetics
Classification: Likely benign. Last evaluated: 2024-05-28. Review status: criteria provided, single submitter. Criteria: ACMG Guidelines, 2015. Collection method: clinical testing. Allele origin: germline.

Mayo Clinic Laboratories, Mayo Clinic
Classification: Uncertain significance. Last evaluated: 2023-06-14. Review status: criteria provided, single submitter. Criteria: ACMG Guidelines, 2015. Collection method: clinical testing. Allele origin: germline. Observed: 1 variant allele.
Comment: BP4

Revvity Omics, Revvity
Classification: Uncertain significance. Last evaluated: 2021-12-09. Review status: criteria provided, single submitter. Criteria: ACMG Guidelines, 2015. Collection method: clinical testing. Allele origin: germline.

CHEO Genetics Diagnostic Laboratory, Children's Hospital of Eastern Ontario
Classification: Likely benign for Cardiomyopathy. Last evaluated: 2021-09-24. Review status: criteria provided, single submitter. Criteria: ACMG Guidelines, 2015. Collection method: clinical testing. Allele origin: germline.

Ambry Genetics
Classification: Uncertain significance for Cardiovascular phenotype. Last evaluated: 2019-01-17. Review status: criteria provided, single submitter. Criteria: Ambry Variant Classification Scheme 2023. Collection method: clinical testing. Allele origin: germline.
Comment: The p.P9146T variant (also known as c.27436C>A), located in coding exon 109 of the TTN gene, results from a C to A substitution at nucleotide position 27436. The proline at codon 9146 is replaced by threonine, an amino acid with highly similar properties. This amino acid position is poorly conserved in available vertebrate species, and threonine is the reference amino acid in other vertebrate species. In addition, this alteration is predicted to be tolerated by in silico analysis. Since supporting evidence is limited at this time, the clinical significance of this alteration remains unclear.

GeneDx
Classification: Likely benign. Last evaluated: 2018-11-01. Review status: criteria provided, single submitter. Criteria: GeneDx Variant Classification Process June 2021. Collection method: clinical testing. Allele origin: germline. Affected: yes.

Illumina Laboratory Services, Illumina
Classification: Likely benign for Tibial muscular dystrophy. Last evaluated: 2018-01-13. Review status: criteria provided, single submitter. Criteria: ICSL Variant Classification Criteria 13 December 2019. Collection method: clinical testing. Allele origin: germline.
Comment: This variant was observed in the ICSL laboratory as part of a predisposition screen in an ostensibly healthy population. It had not been previously curated by ICSL or reported in the Human Gene Mutation Database (HGMD: prior to June 1st, 2018), and was therefore a candidate for classification through an automated scoring system. Utilizing variant allele frequency, disease prevalence and penetrance estimates, and inheritance mode, an automated score was calculated to assess if this variant is too frequent to cause the disease. Based on the score and internal cut-off values, a variant classified as likely benign is not then subjected to further curation. The score for this variant resulted in a classification of likely benign for this disease.

Illumina Laboratory Services, Illumina
Classification: Uncertain significance for Dilated cardiomyopathy 1G. Last evaluated: 2018-01-13. Review status: criteria provided, single submitter. Criteria: ICSL Variant Classification Criteria 13 December 2019. Collection method: clinical testing. Allele origin: germline.

Illumina Laboratory Services, Illumina
Classification: Uncertain significance for Autosomal recessive limb-girdle muscular dystrophy type 2J. Last evaluated: 2018-01-13. Review status: criteria provided, single submitter. Criteria: ICSL Variant Classification Criteria 13 December 2019. Collection method: clinical testing. Allele origin: germline.

Illumina Laboratory Services, Illumina
Classification: Likely benign for Myopathy, myofibrillar, 9, with early respiratory failure. Last evaluated: 2018-01-13. Review status: criteria provided, single submitter. Criteria: ICSL Variant Classification Criteria 13 December 2019. Collection method: clinical testing. Allele origin: germline.
Comment: the same text as in the submission from Illumina Laboratory Services, Illumina above.

Illumina Laboratory Services, Illumina
Classification: Uncertain significance for Early-onset myopathy with fatal cardiomyopathy. Last evaluated: 2018-01-13. Review status: criteria provided, single submitter. Criteria: ICSL Variant Classification Criteria 13 December 2019. Collection method: clinical testing. Allele origin: germline.